The following is an entry in ClinVar:

ClinVar aggregate classification (germline): Benign/Likely benign. Review status: criteria provided, multiple submitters, no conflicts (2 of 4 stars). 3 submissions from 3 submitters: Benign (1); Likely benign (2). Last evaluated 2024-03-01.

Conditions:
Hereditary cancer-predisposing syndrome. Also called: Neoplastic Syndromes, Hereditary; Tumor predisposition; Hereditary neoplastic syndrome; Hereditary Cancer Syndrome. Identifiers: Orphanet 140162, MedGen C0027672, MeSH D009386, MONDO:0015356.
Familial adenomatous polyposis 1 (FAP1). Also called: POLYPOSIS, ADENOMATOUS INTESTINAL; FAMILIAL ADENOMATOUS POLYPOSIS 1, ATTENUATED. Identifiers: MedGen C2713442, MONDO:0021056, OMIM 175100. Disease mechanism: loss of function.

Submissions (3):

Myriad Genetics, Inc.
Classification: Benign for Familial adenomatous polyposis 1. Last evaluated: 2024-03-01. Review status: criteria provided, single submitter. Criteria: Myriad Autosomal Dominant, Autosomal Recessive and X-Linked Classification Criteria (2023). Collection method: clinical testing. Allele origin: unknown.
Comment: This variant is considered benign. This variant is a silent/synonymous amino acid change and it is not expected to impact splicing.

Ambry Genetics
Classification: Likely benign for Hereditary cancer-predisposing syndrome. Last evaluated: 2021-05-04. Review status: criteria provided, single submitter. Criteria: Ambry Variant Classification Scheme 2023. Collection method: clinical testing. Allele origin: germline.

Color Diagnostics, LLC DBA Color Health
Classification: Likely benign for Hereditary cancer-predisposing syndrome. Last evaluated: 2018-10-16. Review status: criteria provided, single submitter. Criteria: ACMG Guidelines, 2015. Collection method: clinical testing. Allele origin: germline.

NM_000038.6(APC):c.1386T>C (p.His462=)

Gene: APC (APC regulator of Wnt signaling pathway; plus strand). Cytogenetic location: 5q22.2.
Variant type: single nucleotide variant.
Coding change: c.1386T>C on transcript NM_000038.6 (MANE Select); coding-DNA position 1386, T replaced by C.
Protein change: p.His462=; no amino-acid change (histidine 462 retained).
Molecular consequence: synonymous variant.
Genome position (GRCh38, 1-based): chr5:112,821,969, T>C. VCF-style: chr5-112821969-T-C. GRCh37 (hg19) VCF-style: chr5-112157666-T-C.
Other names: c.1386T>C, p.His462= (NM_001127510.3, NM_001354895.2, NM_001354896.2); c.1332T>C, p.His444= (NM_001127511.3); c.1416T>C, p.His472= (NM_001354897.2); c.1311T>C, p.His437= (NM_001354898.2); c.1302T>C, p.His434= (NM_001354899.2); c.1209T>C, p.His403= (NM_001354900.2, NM_001354901.2); c.1113T>C, p.His371= (NM_001354902.2); c.1083T>C, p.His361= (NM_001354903.2); and 3 more.
Identifiers: ClinVar variation 629562 (VCV000629562.4), dbSNP rs1561546280, ClinGen allele CA445755875.